The following is an entry in ClinVar:

ClinVar aggregate classification (germline): Uncertain significance (1 of 4 stars; one submission).

Submission:

Labcorp Genetics (formerly Invitae), Labcorp
Classification: Uncertain significance. Last evaluated: 2024-10-18. Review status: criteria provided, single submitter. Criteria: Invitae Variant Classification Sherloc (09022015). Collection method: clinical testing. Allele origin: germline.
Comment: This sequence change replaces aspartic acid, which is acidic and polar, with valine, which is neutral and non-polar, at codon 59 of the PLEKHM2 protein (p.Asp59Val). This variant is not present in population databases (gnomAD no frequency). This variant has not been reported in the literature in individuals affected with PLEKHM2-related conditions. ClinVar contains an entry for this variant (Variation ID: 1517068). An algorithm developed to predict the effect of missense changes on protein structure and function (PolyPhen-2) suggests that this variant is likely to be disruptive. In summary, the available evidence is currently insufficient to determine the role of this variant in disease. Therefore, it has been classified as a Variant of Uncertain Significance.

NM_015164.4(PLEKHM2):c.176A>T (p.Asp59Val)

Gene: PLEKHM2 (pleckstrin homology and RUN domain containing M2; plus strand). Cytogenetic location: 1p36.21.
Variant type: single nucleotide variant.
Coding change: c.176A>T on transcript NM_015164.4 (MANE Select); coding-DNA position 176, A replaced by T.
Protein change: p.Asp59Val; replaces aspartic acid 59 with valine.
Molecular consequence: missense variant.
Genome position (GRCh38, 1-based): chr1:15,716,715, A>T. VCF-style: chr1-15716715-A-T. GRCh37 (hg19) VCF-style: chr1-16043210-A-T.
Other names: short protein forms D59V.
Identifiers: ClinVar variation 1517068 (VCV001517068.8), dbSNP rs2148357683, ClinGen allele CA338578154.